The following is an entry in ClinVar:

NM_177438.3(DICER1):c.2212G>A (p.Gly738Arg)

Gene: DICER1 (dicer 1, ribonuclease III; minus strand). Cytogenetic location: 14q32.13.
Variant type: single nucleotide variant.
Coding change: c.2212G>A on transcript NM_177438.3 (MANE Select); coding-DNA position 2212, G replaced by A.
Protein change: p.Gly738Arg; replaces glycine 738 with arginine.
Molecular consequence: missense variant. On other transcripts: non-coding transcript variant (6).
Genome position (GRCh38, 1-based): chr14:95,111,361, C>T on the plus strand (G>A on the coding strand, the complement: DICER1 is on the minus strand). VCF-style: chr14-95111361-C-T. GRCh37 (hg19) VCF-style: chr14-95577698-C-T.
Other names: c.2212G>A, p.Gly738Arg (NM_001195573.1, NM_001271282.3, NM_001291628.2 and 13 more transcripts); c.1930G>A, p.Gly644Arg (NM_001395686.1); c.1807G>A, p.Gly603Arg (NM_001395687.1, NM_001395688.1, NM_001395689.1 and 3 more transcripts); c.1645G>A, p.Gly549Arg (NM_001395691.1); c.529G>A, p.Gly177Arg (NM_001395697.1); short protein forms G177R, G549R, G644R, G603R, G738R.
Identifiers: ClinVar variation 2813270 (VCV002813270.3), dbSNP rs2542911715, ClinGen allele CA390882591.

ClinVar aggregate classification (germline): Uncertain significance (1 of 4 stars; one submission).

Conditions:
DICER1-related tumor predisposition. Also called: DICER1 syndrome; DICER1-related pleuropulmonary blastoma cancer predisposition syndrome. Identifiers: Orphanet 284343, MedGen C3839822, MONDO:0100216.

Submission:

Labcorp Genetics (formerly Invitae), Labcorp
Classification: Uncertain significance for DICER1-related tumor predisposition. Last evaluated: 2024-08-13. Review status: criteria provided, single submitter. Criteria: Invitae Variant Classification Sherloc (09022015). Collection method: clinical testing. Allele origin: germline.
Comment: This sequence change replaces glycine, which is neutral and non-polar, with arginine, which is basic and polar, at codon 738 of the DICER1 protein (p.Gly738Arg). This variant is not present in population databases (gnomAD no frequency). This variant has not been reported in the literature in individuals affected with DICER1-related conditions. Advanced modeling of protein sequence and biophysical properties (such as structural, functional, and spatial information, amino acid conservation, physicochemical variation, residue mobility, and thermodynamic stability) performed at Invitae indicates that this missense variant is not expected to disrupt DICER1 protein function with a negative predictive value of 80%. In summary, the available evidence is currently insufficient to determine the role of this variant in disease. Therefore, it has been classified as a Variant of Uncertain Significance.